The following is an entry in ClinVar:

NM_020376.4(PNPLA2):c.1198C>T (p.Arg400Cys)

Gene: PNPLA2 (patatin like domain 2, triacylglycerol lipase; plus strand). Cytogenetic location: 11p15.5.
Variant type: single nucleotide variant.
Coding change: c.1198C>T on transcript NM_020376.4 (MANE Select); coding-DNA position 1198, C replaced by T.
Protein change: p.Arg400Cys; replaces arginine 400 with cysteine.
Molecular consequence: missense variant.
Genome position (GRCh38, 1-based): chr11:824,545, C>T. VCF-style: chr11-824545-C-T. GRCh37 (hg19) VCF-style: chr11-824545-C-T.
Other names: short protein forms R400C.
Identifiers: ClinVar variation 3017533 (VCV003017533.1), dbSNP rs1464121628, ClinGen allele CA378984336.
Genomic context (GRCh38, chr11:824,545, plus strand): 5'-GGAGCTGAAGCCCTCCCTGCCGCATCCCTGCCCCGCAGGCTGCCGGAGCAGGTGGAGCTG[C>T]GCCGCGTCCAGTCGCTGCCGTCCGTGCCGCTGTCCTGCGCCGCCTACAGAGAGGCACTGC-3'
Protein context (NP_065109.1, residues 390-410): PSRLPEQVEL[Arg400Cys]RVQSLPSVPL

ClinVar aggregate classification (germline): Uncertain significance (1 of 4 stars; one submission).

Conditions:
Neutral lipid storage myopathy (NLSDM). Also called: NEUTRAL LIPID STORAGE DISEASE WITHOUT ICHTHYOSIS. Identifiers: Orphanet 98908, MedGen C1853136, MONDO:0012545, OMIM 610717.

Allele frequency attached by ClinVar (database versions not stated): gnomAD exomes below 0.00001; gnomAD 0.00001; TOPMed 0.00001.

Submission:

Labcorp Genetics (formerly Invitae), Labcorp
Classification: Uncertain significance for Neutral lipid storage myopathy. Last evaluated: 2023-04-15. Review status: criteria provided, single submitter. Criteria: Invitae Variant Classification Sherloc (09022015). Collection method: clinical testing. Allele origin: germline.
Comment: This sequence change replaces arginine, which is basic and polar, with cysteine, which is neutral and slightly polar, at codon 400 of the PNPLA2 protein (p.Arg400Cys). The frequency data for this variant in the population databases is considered unreliable, as metrics indicate poor data quality at this position in the gnomAD database. In summary, the available evidence is currently insufficient to determine the role of this variant in disease. Therefore, it has been classified as a Variant of Uncertain Significance. An algorithm developed to predict the effect of missense changes on protein structure and function (PolyPhen-2) suggests that this variant is likely to be disruptive. This variant has not been reported in the literature in individuals affected with PNPLA2-related conditions.